The following is an entry in ClinVar:

ClinVar aggregate classification (germline): Uncertain significance. Review status: criteria provided, multiple submitters, no conflicts (2 of 4 stars). 2 submissions from 2 submitters: Uncertain significance (2). Last evaluated 2024-05-16.

Conditions:
Sucrase-isomaltase deficiency (CSID). Also called: Congenital sucrose isomaltose malabsorption; Sucrose isomaltose enzyme deficiency; SI DEFICIENCY; Deficiency of isomaltase. Identifiers: Orphanet 35122, MedGen C1283620, MONDO:0009114, OMIM 222900.

Allele frequency attached by ClinVar (database versions not stated): TOPMed below 0.00001; gnomAD 0.00001; gnomAD exomes 0.00002.
gnomAD v4.1: 34 of 1,612,318 alleles (0.0021%); highest among the groups gnomAD compares: Non-Finnish European, 0.0028%; no homozygotes.

Submissions (2):

Fulgent Genetics
Classification: Uncertain significance for Sucrase-isomaltase deficiency. Last evaluated: 2024-05-16. Review status: criteria provided, single submitter. Criteria: ACMG Guidelines, 2015. Collection method: clinical testing. Allele origin: germline.

Labcorp Genetics (formerly Invitae), Labcorp
Classification: Uncertain significance. Last evaluated: 2022-06-26. Review status: criteria provided, single submitter. Criteria: Invitae Variant Classification Sherloc (09022015). Collection method: clinical testing. Allele origin: germline.
Comment: This sequence change replaces threonine, which is neutral and polar, with isoleucine, which is neutral and non-polar, at codon 1135 of the SI protein (p.Thr1135Ile). This variant is present in population databases (no rsID available, gnomAD 0.002%). This variant has not been reported in the literature in individuals affected with SI-related conditions. Advanced modeling of protein sequence and biophysical properties (such as structural, functional, and spatial information, amino acid conservation, physicochemical variation, residue mobility, and thermodynamic stability) performed at Invitae indicates that this missense variant is expected to disrupt SI protein function. In summary, the available evidence is currently insufficient to determine the role of this variant in disease. Therefore, it has been classified as a Variant of Uncertain Significance.

NM_001041.4(SI):c.3404C>T (p.Thr1135Ile)

Gene: SI (sucrase-isomaltase; minus strand). Cytogenetic location: 3q26.1.
Variant type: single nucleotide variant.
Coding change: c.3404C>T on transcript NM_001041.4 (MANE Select); coding-DNA position 3404, C replaced by T.
Protein change: p.Thr1135Ile; replaces threonine 1135 with isoleucine.
Molecular consequence: missense variant.
Genome position (GRCh38, 1-based): chr3:165,019,621, G>A on the plus strand (C>T on the coding strand, the complement: SI is on the minus strand). VCF-style: chr3-165019621-G-A. GRCh37 (hg19) VCF-style: chr3-164737409-G-A.
Other names: short protein forms T1135I.
Identifiers: ClinVar variation 1981363 (VCV001981363.2), dbSNP rs1412604560, ClinGen allele CA355038937.